The following is an entry in ClinVar:

NM_002972.4(SBF1):c.3222_3223insA (p.Pro1075fs)

Gene: SBF1 (SET binding factor 1; minus strand). Cytogenetic location: 22q13.33.
Variant type: Insertion.
Coding change: c.3222_3223insA on transcript NM_002972.4 (MANE Select); coding-DNA positions 3222 to 3223, A inserted.
Protein change: p.Pro1075fs; shifts the reading frame from proline 1075.
Molecular consequence: frameshift variant.
Genome position: GRCh38 VCF-style: chr22-50460332-G-GT. GRCh37 (hg19) VCF-style: chr22-50898761-G-GT.
Other names: c.3225_3226insA, p.Pro1076fs (NM_001365819.1, NM_001410794.1); c.3222_3223insA, p.Pro1075fs (NM_001410795.1); short protein forms P1075fs, P1076fs.
Identifiers: ClinVar variation 4703784 (VCV004703784.1).

ClinVar aggregate classification (germline): Pathogenic (1 of 4 stars; one submission).

Submission:

Labcorp Genetics (formerly Invitae), Labcorp
Classification: Pathogenic. Last evaluated: 2025-05-07. Review status: criteria provided, single submitter. Criteria: Invitae Variant Classification Sherloc (09022015). Collection method: clinical testing. Allele origin: germline.
Comment: This sequence change creates a premature translational stop signal (p.Pro1075Thrfs*13) in the SBF1 gene. It is expected to result in an absent or disrupted protein product. Loss-of-function variants in SBF1 are known to be pathogenic (PMID: 28005197, 28902413). This variant is not present in population databases (gnomAD no frequency). This variant has not been reported in the literature in individuals affected with SBF1-related conditions. For these reasons, this variant has been classified as Pathogenic.

Literature cited by the submitters: PubMed 28005197; PubMed 28902413.